The following is an entry in ClinVar:

NM_004385.5(VCAN):c.2925T>C (p.Leu975=)

Gene: VCAN (versican; plus strand). Cytogenetic location: 5q14.3.
Variant type: single nucleotide variant.
Coding change: c.2925T>C on transcript NM_004385.5 (MANE Select); coding-DNA position 2925, T replaced by C.
Protein change: p.Leu975=; no amino-acid change (leucine 975 retained).
Molecular consequence: synonymous variant. On other transcripts: intron variant (2).
Genome position (GRCh38, 1-based): chr5:83,521,231, T>C. VCF-style: chr5-83521231-T-C. GRCh37 (hg19) VCF-style: chr5-82817050-T-C.
Other names: c.2925T>C, p.Leu975= (NM_001164098.2); c.1042+8835T>C (NM_001164097.2, NM_001126336.3).
Identifiers: ClinVar variation 903870 (VCV000903870.14), dbSNP rs139028655, ClinGen allele CA3332926.
Genomic context (GRCh38, chr5:83,521,231, plus strand): 5'-TAGTTATAGTAGCACCCAAGAGCCTACTACTTATGTAGACTCTTCCCATACCATTCCTCT[T>C]TCTGTAATTCCCAAGACAGACTGGGGAGTGTTAGTACCTTCTGTTCCATCAGAAGATGAA-3'
Protein context (NP_004376.2, residues 965-985): TYVDSSHTIP[Leu975=]SVIPKTDWGV

ClinVar aggregate classification (germline): Benign/Likely benign. Review status: criteria provided, multiple submitters, no conflicts (2 of 4 stars). 5 submissions from 4 submitters: Benign (3); Likely benign (2). Last evaluated 2025-08-15.

Conditions:
VCAN-related disorder. Also called: VCAN-related condition.
Vitreoretinopathy. Also called: Vitreoretinal degeneration. Identifiers: MedGen C0344290, MONDO:0020248, HP:0007773.
Wagner disease. Also called: Wagner Vitreoretinal Degeneration (Wagner Synrdome); WAGNER SYNDROME 1; HYALOIDEORETINAL DEGENERATION OF WAGNER; Wagner syndrome; WAGNER VITREORETINAL DEGENERATION; WAGNER VITREORETINOPATHY. Identifiers: Orphanet 898, MedGen C1840452, MONDO:0007740, OMIM 143200.

Allele frequency attached by ClinVar (database versions not stated): gnomAD exomes 0.00010 and 0.00025; gnomAD 0.00012; TOPMed 0.00014; ESP Exome Variant Server 0.00015; 1000 Genomes Project 0.00020; ExAC 0.00024; 1000 Genomes Project 30x 0.00031.
gnomAD v4.1: 175 of 1,613,992 alleles (0.011%); highest among the groups gnomAD compares: East Asian, 0.1%; no homozygotes.

Submissions (5):

PreventionGenetics, part of Exact Sciences
Classification: Likely benign for VCAN-related condition. Last evaluated: 2025-08-15. Review status: criteria provided, single submitter. Criteria: ACMG Guidelines, 2015. Collection method: clinical testing. Allele origin: germline.
Comment: This variant is classified as likely benign based on ACMG/AMP sequence variant interpretation guidelines (Richards et al. 2015 PMID: 25741868, with internal and published modifications).

Labcorp Genetics (formerly Invitae), Labcorp
Classification: Benign. Last evaluated: 2025-08-06. Review status: criteria provided, single submitter. Criteria: Invitae Variant Classification Sherloc (09022015). Collection method: clinical testing. Allele origin: germline.

Blueprint Genetics
Classification: Likely benign. Last evaluated: 2024-11-07. Review status: criteria provided, single submitter. Criteria: ACMG Guidelines, 2015. Collection method: clinical testing. Allele origin: germline.

Illumina Laboratory Services, Illumina
Classification: Benign for Wagner disease. Last evaluated: 2018-03-26. Review status: criteria provided, single submitter. Criteria: ICSL Variant Classification Criteria 13 December 2019. Collection method: clinical testing. Allele origin: germline.
Comment: This variant was observed in the ICSL laboratory as part of a predisposition screen in an ostensibly healthy population. It had not been previously curated by ICSL or reported in the Human Gene Mutation Database (HGMD: prior to June 1st, 2018), and was therefore a candidate for classification through an automated scoring system. Utilizing variant allele frequency, disease prevalence and penetrance estimates, and inheritance mode, an automated score was calculated to assess if this variant is too frequent to cause the disease. Based on the score and internal cut-off values, a variant classified as benign is not then subjected to further curation. The score for this variant resulted in a classification of benign for this disease.

Illumina Laboratory Services, Illumina
Classification: Benign for Vitreoretinopathy. Last evaluated: 2018-03-26. Review status: criteria provided, single submitter. Criteria: ICSL Variant Classification Criteria 13 December 2019. Collection method: clinical testing. Allele origin: germline.
Comment: the same text as in the submission from Illumina Laboratory Services, Illumina above.